The following is an entry in ClinVar:

ClinVar aggregate classification (germline): Uncertain significance (1 of 4 stars; one submission).

Conditions:
Synpolydactyly type 2. Also called: SYNPOLYDACTYLY, 3/3-PRIME/4, ASSOCIATED WITH METACARPAL AND METATARSAL SYNOSTOSES. Identifiers: Orphanet 295197, Orphanet 93403, MedGen C1842422, MONDO:0011984, OMIM 608180.

gnomAD v4.1: 16 of 1,613,874 alleles (0.00099%); highest among the groups gnomAD compares: East Asian, 0.0022%; no homozygotes.

Submission:

Juno Genomics, Hangzhou Juno Genomics, Inc
Classification: Uncertain significance for Synpolydactyly type 2. Review status: criteria provided, single submitter. Criteria: ACMG Guidelines, 2015. Collection method: clinical testing. Allele origin: germline. Affected: yes.
Comment: Absent from controls (or at extremely low frequency if recessive) in Genome Aggregation Database, Exome Sequencing Project, 1000 Genomes Project, or Exome Aggregation Consortium.;Multiple lines of computational evidence support a deleterious effect on the gene or gene product (conservation, evolutionary, splicing impact, etc).;Patient's phenotype or family history is highly specific for a disease with a single genetic etiology.

NM_006486.3(FBLN1):c.1489C>T (p.Arg497Cys)

Gene: FBLN1 (fibulin 1; plus strand). Cytogenetic location: 22q13.31.
Variant type: single nucleotide variant.
Coding change: c.1489C>T on transcript NM_006486.3 (MANE Select); coding-DNA position 1489, C replaced by T.
Protein change: p.Arg497Cys; replaces arginine 497 with cysteine.
Molecular consequence: missense variant.
Genome position (GRCh38, 1-based): chr22:45,548,660, C>T. VCF-style: chr22-45548660-C-T. GRCh37 (hg19) VCF-style: chr22-45944540-C-T.
Other names: c.1489C>T, p.Arg497Cys (NM_001996.4, NM_006485.4, NM_006487.3); short protein forms R497C.
Identifiers: ClinVar variation 3382633 (VCV003382633.2).